The following is an entry in ClinVar:

ClinVar aggregate classification (germline): Uncertain significance (1 of 4 stars; one submission).

gnomAD v4.1: 7 of 1,606,056 alleles (0.00044%); highest among the groups gnomAD compares: Non-Finnish European, 0.0006%; no homozygotes.

Submission:

GeneDx
Classification: Uncertain significance. Last evaluated: 2024-04-22. Review status: criteria provided, single submitter. Criteria: GeneDx Variant Classification Process June 2021. Collection method: clinical testing. Allele origin: germline. Affected: yes.
Comment: Not observed at significant frequency in large population cohorts (gnomAD); In silico analysis indicates that this missense variant does not alter protein structure/function; Has not been previously published as pathogenic or benign to our knowledge

NM_003672.4(CDC14A):c.1031A>G (p.Asn344Ser)

Gene: CDC14A (cell division cycle 14A; plus strand). Cytogenetic location: 1p21.2.
Variant type: single nucleotide variant.
Coding change: c.1031A>G on transcript NM_003672.4 (MANE Select); coding-DNA position 1031, A replaced by G.
Protein change: p.Asn344Ser; replaces asparagine 344 with serine.
Molecular consequence: missense variant.
Genome position (GRCh38, 1-based): chr1:100,484,345, A>G. VCF-style: chr1-100484345-A-G. GRCh37 (hg19) VCF-style: chr1-100949901-A-G.
Other names: c.857A>G, p.Asn286Ser (NM_001319211.2); c.152A>G, p.Asn51Ser (NM_001319212.2); c.1031A>G, p.Asn344Ser (NM_001319210.2, NM_033312.3, NM_033313.3); short protein forms N286S, N344S, N51S.
Identifiers: ClinVar variation 3369600 (VCV003369600.1).